The following is an entry in ClinVar:

ClinVar aggregate classification (germline): Benign/Likely benign. Review status: criteria provided, multiple submitters, no conflicts (2 of 4 stars). 4 submissions from 4 submitters: Benign (1); Likely benign (3). Last evaluated 2025-02-25.

Conditions:
Renal cell carcinoma. Identifiers: Orphanet 217071, MedGen C0007134, MeSH D002292, MONDO:0005086, HP:0005584.
Hereditary cancer-predisposing syndrome. Also called: Hereditary Cancer Syndrome; Neoplastic Syndromes, Hereditary; Tumor predisposition; Hereditary neoplastic syndrome. Identifiers: Orphanet 140162, MedGen C0027672, MeSH D009386, MONDO:0015356.
Papillary renal cell carcinoma type 1 (RCCP1). Also called: Renal adenocarcinoma; Renal cell carcinoma 1; Renal cell carcinoma, somatic; RENAL CELL CARCINOMA, PAPILLARY, 1, SOMATIC. Identifiers: Orphanet 47044, MedGen C1336839, OMIM 605074, HP:0011797.

Allele frequency attached by ClinVar (database versions not stated): gnomAD exomes below 0.00001 and 0.00001.
gnomAD v4.1: 3 of 1,614,030 alleles (0.00019%); highest among the groups gnomAD compares: Non-Finnish European, 0.00025%; no homozygotes.

Submissions (4):

Ambry Genetics
Classification: Likely benign for Hereditary cancer-predisposing syndrome. Last evaluated: 2025-02-25. Review status: criteria provided, single submitter. Criteria: Ambry Variant Classification Scheme 2023. Collection method: clinical testing. Allele origin: germline.

Myriad Genetics, Inc.
Classification: Benign for Papillary renal cell carcinoma type 1. Last evaluated: 2024-11-06. Review status: criteria provided, single submitter. Criteria: Myriad Autosomal Dominant, Autosomal Recessive and X-Linked Classification Criteria (2023). Collection method: clinical testing. Allele origin: unknown.
Comment: This variant is considered benign. This variant is a silent/synonymous amino acid change and it is not expected to impact splicing.

Labcorp Genetics (formerly Invitae), Labcorp
Classification: Likely benign for Renal cell carcinoma. Last evaluated: 2024-07-24. Review status: criteria provided, single submitter. Criteria: Invitae Variant Classification Sherloc (09022015). Collection method: clinical testing. Allele origin: germline.

GeneDx
Classification: Likely benign. Last evaluated: 2018-03-12. Review status: criteria provided, single submitter. Criteria: GeneDx Variant Classification (06012015). Collection method: clinical testing. Allele origin: germline. Affected: yes.
Comment: This variant is considered likely benign or benign based on one or more of the following criteria: it is a conservative change, it occurs at a poorly conserved position in the protein, it is predicted to be benign by multiple in silico algorithms, and/or has population frequency not consistent with disease.

NM_000245.4(MET):c.369C>T (p.Asp123=)

Gene: MET (MET proto-oncogene, receptor tyrosine kinase; plus strand). Cytogenetic location: 7q31.2.
Variant type: single nucleotide variant.
Coding change: c.369C>T on transcript NM_000245.4 (MANE Select); coding-DNA position 369, C replaced by T.
Protein change: p.Asp123=; no amino-acid change (aspartic acid 123 retained).
Molecular consequence: synonymous variant. On other transcripts: intron variant (1).
Genome position (GRCh38, 1-based): chr7:116,699,453, C>T. VCF-style: chr7-116699453-C-T. GRCh37 (hg19) VCF-style: chr7-116339507-C-T.
Other names: c.369C>T, p.Asp123= (NM_001127500.3, NM_001324401.3); c.-91+26876C>T (NM_001324402.2).
Identifiers: ClinVar variation 516046 (VCV000516046.10), dbSNP rs1417054613, ClinGen allele CA457447660.